The following is an entry in ClinVar:

NM_007194.4(CHEK2):c.630A>G (p.Ser210=)

Gene: CHEK2 (checkpoint kinase 2; minus strand). Cytogenetic location: 22q12.1.
Variant type: single nucleotide variant.
Coding change: c.630A>G on transcript NM_007194.4 (MANE Select); coding-DNA position 630, A replaced by G.
Protein change: p.Ser210=; no amino-acid change (serine 210 retained).
Molecular consequence: synonymous variant. On other transcripts: 5 prime UTR variant (2), intron variant (1).
Genome position (GRCh38, 1-based): chr22:28,719,448, T>C on the plus strand (A>G on the coding strand, the complement: CHEK2 is on the minus strand). VCF-style: chr22-28719448-T-C. GRCh37 (hg19) VCF-style: chr22-29115436-T-C.
Other names: c.759A>G, p.Ser253= (NM_001005735.3, NM_001438294.1); c.-34A>G (NM_001257387.3, NM_001437942.1); c.723A>G, p.Ser241= (NM_001438293.1, NM_001438295.1); c.630A>G, p.Ser210= (NM_145862.3); c.482+5438A>G (NM_001349956.3).
Identifiers: ClinVar variation 1752771 (VCV001752771.4), dbSNP rs981239453, ClinGen allele CA513945259.

ClinVar aggregate classification (germline): Conflicting classifications of pathogenicity. Review status: criteria provided, conflicting classifications (1 of 4 stars). 3 submissions from 3 submitters: Uncertain significance (2); Likely benign (1). Last evaluated 2025-02-15.

Conditions:
Hereditary cancer-predisposing syndrome. Also called: Neoplastic Syndromes, Hereditary; Tumor predisposition; Hereditary Cancer Syndrome; Hereditary neoplastic syndrome. Identifiers: Orphanet 140162, MedGen C0027672, MeSH D009386, MONDO:0015356.
Familial cancer of breast. Also called: BREAST CANCER, FAMILIAL; hereditary breast carcinoma; Hereditary breast cancer. Identifiers: Orphanet 227535, MedGen C0346153, MONDO:0016419, OMIM 114480. Disease mechanism: loss of function.

Submissions (3):

Labcorp Genetics (formerly Invitae), Labcorp
Classification: Likely benign for Familial cancer of breast. Last evaluated: 2025-02-15. Review status: criteria provided, single submitter. Criteria: Invitae Variant Classification Sherloc (09022015). Collection method: clinical testing. Allele origin: germline.

Ambry Genetics
Classification: Uncertain significance for Hereditary cancer-predisposing syndrome. Last evaluated: 2024-03-05. Review status: criteria provided, single submitter. Criteria: Ambry Variant Classification Scheme 2023. Collection method: clinical testing. Allele origin: germline.
Comment: The c.630A>G variant (also known as p.S210S), located in coding exon 4 of the CHEK2 gene, results from an A to G substitution at nucleotide position 630. This nucleotide substitution does not change the serine at codon 210. This nucleotide position is well conserved in available vertebrate species. In silico splice site analysis for this alteration is inconclusive. Direct RNA evidence is insufficient at this time (Ambry internal data). Based on the available evidence, the clinical significance of this alteration remains unclear.

Color Diagnostics, LLC DBA Color Health
Classification: Uncertain significance for Hereditary cancer-predisposing syndrome. Last evaluated: 2023-07-11. Review status: criteria provided, single submitter. Criteria: ACMG Guidelines, 2015. Collection method: clinical testing. Allele origin: germline.
Comment: This variant is located in the CHEK2 protein. To our knowledge, functional studies have not been reported for this variant. This variant has not been reported in individuals affected with CHEK2-related disorders in the literature. This variant has not been identified in the general population by the Genome Aggregation Database (gnomAD). The available evidence is insufficient to determine the role of this variant in disease conclusively. Therefore, this variant is classified as a Variant of Uncertain Significance.